The following is an entry in ClinVar:

NM_001267550.2(TTN):c.62028C>T (p.His20676=)

Genes: TTN (titin; minus strand), TTN-AS1 (TTN antisense RNA 1; plus strand). Cytogenetic location: 2q31.2.
Variant type: single nucleotide variant.
Coding change: c.62028C>T on transcript NM_001267550.2 (MANE Select); coding-DNA position 62028, C replaced by T.
Protein change: p.His20676=; no amino-acid change (histidine 20676 retained).
Molecular consequence: synonymous variant.
Genome position (GRCh38, 1-based): chr2:178,589,697, G>A on the plus strand (C>T on the coding strand, the complement: TTN is on the minus strand). VCF-style: chr2-178589697-G-A. GRCh37 (hg19) VCF-style: chr2-179454424-G-A.
Other names: c.57105C>T, p.His19035= (NM_001256850.1); c.34833C>T, p.His11611= (NM_003319.4); c.54324C>T, p.His18108= (NM_133378.4); c.35208C>T, p.His11736= (NM_133432.3); c.35409C>T, p.His11803= (NM_133437.4).
Identifiers: ClinVar variation 3025173 (VCV003025173.22), dbSNP rs2469405152, ClinGen allele CA430265574.

ClinVar aggregate classification (germline): Likely benign (1 of 4 stars; one submission).

Submission:

CeGaT Center for Human Genetics Tuebingen
Classification: Likely benign. Last evaluated: 2024-02-01. Review status: criteria provided, single submitter. Criteria: CeGaT Center For Human Genetics Tuebingen Variant Classification Criteria Version 2. Collection method: clinical testing. Allele origin: germline. Affected: yes. Observed: 1 variant allele.
Comment: TTN: PM2:Supporting, BP4, BP7